The following is an entry in ClinVar:

ClinVar aggregate classification (germline): Uncertain significance (1 of 4 stars; one submission).

gnomAD v4.1: 5 of 1,614,088 alleles (0.00031%); highest among the groups gnomAD compares: Admixed American, 0.0033%; no homozygotes.

Submission:

Labcorp Genetics (formerly Invitae), Labcorp
Classification: Uncertain significance. Last evaluated: 2024-11-29. Review status: criteria provided, single submitter. Criteria: Invitae Variant Classification Sherloc (09022015). Collection method: clinical testing. Allele origin: germline.
Comment: This sequence change creates a premature translational stop signal (p.Trp1856*) in the IGSF10 gene. It is expected to result in an absent or disrupted protein product. However, the current clinical and genetic evidence is not sufficient to establish whether loss-of-function variants in IGSF10 cause disease. This variant is present in population databases (rs773986671, gnomAD 0.006%). This variant has not been reported in the literature in individuals affected with IGSF10-related conditions. In summary, the available evidence is currently insufficient to determine the role of this variant in disease. Therefore, it has been classified as a Variant of Uncertain Significance.

NM_178822.5(IGSF10):c.5568G>A (p.Trp1856Ter)

Gene: IGSF10 (immunoglobulin superfamily member 10; minus strand). Cytogenetic location: 3q25.1.
Variant type: single nucleotide variant.
Coding change: c.5568G>A on transcript NM_178822.5 (MANE Select); coding-DNA position 5568, G replaced by A.
Protein change: p.Trp1856Ter; replaces tryptophan 1856 with a stop codon.
Molecular consequence: nonsense.
Genome position (GRCh38, 1-based): chr3:151,443,379, C>T on the plus strand (G>A on the coding strand, the complement: IGSF10 is on the minus strand). VCF-style: chr3-151443379-C-T. GRCh37 (hg19) VCF-style: chr3-151161167-C-T.
Other names: c.5568G>A, p.Trp1856Ter (NM_001385060.1, NM_001385061.1, NM_001385062.1 and 1 more transcripts); short protein forms W1856*.
Identifiers: ClinVar variation 3616051 (VCV003616051.2).